The following is an entry in ClinVar:

ClinVar aggregate classification (germline): Uncertain significance (1 of 4 stars; one submission).

Conditions:
Landau-Kleffner syndrome (FESD). Also called: EPILEPSY, FOCAL, WITH SPEECH DISORDER AND WITH OR WITHOUT MENTAL RETARDATION; APHASIA, ACQUIRED, WITH EPILEPSY. Identifiers: Orphanet 1945, Orphanet 725, Orphanet 98818, MedGen C0282512, MONDO:0009509, OMIM 245570.

gnomAD v4.1: 2 of 1,614,110 alleles (0.00012%); highest among the groups gnomAD compares: Middle Eastern, 0.033%; no homozygotes.

Submission:

Labcorp Genetics (formerly Invitae), Labcorp
Classification: Uncertain significance for Landau-Kleffner syndrome. Last evaluated: 2026-01-07. Review status: criteria provided, single submitter. Criteria: Invitae Variant Classification Sherloc (09022015). Collection method: clinical testing. Allele origin: germline.
Comment: This sequence change replaces phenylalanine, which is neutral and non-polar, with cysteine, which is neutral and slightly polar, at codon 885 of the GRIN2A protein (p.Phe885Cys). This variant is present in population databases (rs751762600, gnomAD no frequency). This variant has not been reported in the literature in individuals affected with GRIN2A-related conditions. Invitae Evidence Modeling of protein sequence and biophysical properties (such as structural, functional, and spatial information, amino acid conservation, physicochemical variation, residue mobility, and thermodynamic stability) indicates that this missense variant is not expected to disrupt GRIN2A protein function with a negative predictive value of 95%. In summary, the available evidence is currently insufficient to determine the role of this variant in disease. Therefore, it has been classified as a Variant of Uncertain Significance.

NM_001134407.3(GRIN2A):c.2654T>G (p.Phe885Cys)

Gene: GRIN2A (glutamate ionotropic receptor NMDA type subunit 2A; minus strand). Cytogenetic location: 16p13.2.
Variant type: single nucleotide variant.
Coding change: c.2654T>G on transcript NM_001134407.3 (MANE Select); coding-DNA position 2654, T replaced by G.
Protein change: p.Phe885Cys; replaces phenylalanine 885 with cysteine.
Molecular consequence: missense variant.
Genome position (GRCh38, 1-based): chr16:9,764,890, A>C on the plus strand (T>G on the coding strand, the complement: GRIN2A is on the minus strand). VCF-style: chr16-9764890-A-C. GRCh37 (hg19) VCF-style: chr16-9858747-A-C.
Other names: c.2654T>G, p.Phe885Cys (NM_000833.5, NM_001134408.2); short protein forms F885C.
Identifiers: ClinVar variation 4693146 (VCV004693146.1).